The following is an entry in ClinVar:

ClinVar aggregate classification (germline): Uncertain significance (1 of 4 stars; one submission).

Submission:

Labcorp Genetics (formerly Invitae), Labcorp
Classification: Uncertain significance. Last evaluated: 2024-07-19. Review status: criteria provided, single submitter. Criteria: Invitae Variant Classification Sherloc (09022015). Collection method: clinical testing. Allele origin: germline.
Comment: This sequence change replaces arginine, which is basic and polar, with leucine, which is neutral and non-polar, at codon 3821 of the TRRAP protein (p.Arg3821Leu). This variant is not present in population databases (gnomAD no frequency). This variant has not been reported in the literature in individuals affected with TRRAP-related conditions. Advanced modeling of protein sequence and biophysical properties (such as structural, functional, and spatial information, amino acid conservation, physicochemical variation, residue mobility, and thermodynamic stability) performed at Invitae indicates that this missense variant is not expected to disrupt TRRAP protein function with a negative predictive value of 80%. In summary, the available evidence is currently insufficient to determine the role of this variant in disease. Therefore, it has been classified as a Variant of Uncertain Significance.

NM_001375524.1(TRRAP):c.11591G>T (p.Arg3864Leu)

Gene: TRRAP (transformation/transcription domain associated protein; plus strand). Cytogenetic location: 7q22.1.
Variant type: single nucleotide variant.
Coding change: c.11591G>T on transcript NM_001375524.1 (MANE Select); coding-DNA position 11591, G replaced by T.
Protein change: p.Arg3864Leu; replaces arginine 3864 with leucine.
Molecular consequence: missense variant.
Genome position (GRCh38, 1-based): chr7:99,012,324, G>T. VCF-style: chr7-99012324-G-T. GRCh37 (hg19) VCF-style: chr7-98609947-G-T.
Other names: c.11549G>T, p.Arg3850Leu (NM_001244580.2); c.11462G>T, p.Arg3821Leu (NM_003496.4); short protein forms R3821L, R3850L, R3864L.
Identifiers: ClinVar variation 3619859 (VCV003619859.2).